The following is an entry in ClinVar:

ClinVar aggregate classification (germline): Benign/Likely benign. Review status: criteria provided, multiple submitters, no conflicts (2 of 4 stars). 12 submissions from 12 submitters: Benign (7); Likely benign (5). Last evaluated 2026-09-01.

Conditions:
Inborn genetic diseases. Identifiers: MedGen C0950123, MeSH D030342.
Cornelia de Lange syndrome 3 (CDLS3). Also called: CORNELIA DE LANGE SYNDROME 3 WITH OR WITHOUT MIDLINE BRAIN DEFECTS; SMC3-Related Cornelia de Lange Syndrome. Identifiers: Orphanet 199, MedGen C1853099, MONDO:0012555, OMIM 610759.

Allele frequency attached by ClinVar (database versions not stated): 1000 Genomes Project 0.00120; 1000 Genomes Project 30x 0.00125; TOPMed 0.00406; ExAC 0.00461; gnomAD 0.00482 and 0.00501; gnomAD exomes 0.00491 and 0.00666; ESP Exome Variant Server 0.00515.
gnomAD v4.1: 10,385 of 1,614,042 alleles (0.64%); highest among the groups gnomAD compares: Non-Finnish European, 0.76%; 37 homozygotes.

Submissions (12):

CeGaT Center for Human Genetics Tuebingen
Classification: Benign. Last evaluated: 2026-09-01. Review status: criteria provided, single submitter. Criteria: CeGaT Center For Human Genetics Tuebingen Variant Classification Criteria Version 2. Collection method: clinical testing. Allele origin: germline. Affected: yes. Observed: 29 variant alleles.
Comment: SMC3: BP4, BP7, BS1, BS2

Labcorp Genetics (formerly Invitae), Labcorp
Classification: Benign for Cornelia de Lange syndrome 3. Last evaluated: 2026-01-31. Review status: criteria provided, single submitter. Criteria: Invitae Variant Classification Sherloc (09022015). Collection method: clinical testing. Allele origin: germline.

Athena Diagnostics
Classification: Benign. Last evaluated: 2025-05-07. Review status: criteria provided, single submitter. Criteria: Athena Diagnostics Criteria. Collection method: clinical testing. Allele origin: unknown.
Comment: The frequency of this variant in the general population is higher than would generally be expected for pathogenic variants in this gene.

Blueprint Genetics
Classification: Likely benign. Last evaluated: 2024-11-27. Review status: criteria provided, single submitter. Criteria: ACMG Guidelines, 2015. Collection method: clinical testing. Allele origin: germline.

Fulgent Genetics
Classification: Likely benign for Cornelia de Lange syndrome 3. Last evaluated: 2021-09-16. Review status: criteria provided, single submitter. Criteria: ACMG Guidelines, 2015. Collection method: clinical testing. Allele origin: unknown.

GeneDx
Classification: Likely benign. Last evaluated: 2020-02-24. Review status: criteria provided, single submitter. Criteria: GeneDx Variant Classification Process June 2021. Collection method: clinical testing. Allele origin: germline. Affected: yes.

Eurofins Ntd Llc (ga)
Classification: Benign. Last evaluated: 2018-07-12. Review status: criteria provided, single submitter. Criteria: EGL ClinVar v180209 classification definitions. Collection method: clinical testing. Allele origin: germline. Observed: 1 variant allele, 1 heterozygote.

Illumina Laboratory Services, Illumina
Classification: Benign for Cornelia de Lange syndrome 3. Last evaluated: 2018-01-13. Review status: criteria provided, single submitter. Criteria: ICSL Variant Classification Criteria 13 December 2019. Collection method: clinical testing. Allele origin: germline.
Comment: This variant was observed in the ICSL laboratory as part of a predisposition screen in an ostensibly healthy population. It had not been previously curated by ICSL or reported in the Human Gene Mutation Database (HGMD: prior to June 1st, 2018), and was therefore a candidate for classification through an automated scoring system. Utilizing variant allele frequency, disease prevalence and penetrance estimates, and inheritance mode, an automated score was calculated to assess if this variant is too frequent to cause the disease. Based on the score and internal cut-off values, a variant classified as benign is not then subjected to further curation. The score for this variant resulted in a classification of benign for this disease.

Ambry Genetics
Classification: Likely benign for Inborn genetic diseases. Last evaluated: 2016-05-03. Review status: criteria provided, single submitter. Criteria: Ambry Variant Classification Scheme 2023. Collection method: clinical testing. Allele origin: germline.

Genetic Services Laboratory, University of Chicago
Classification: Benign. Last evaluated: 2015-03-03. Review status: criteria provided, single submitter. Criteria: ACMG Guidelines, 2015. Collection method: clinical testing. Allele origin: germline.

Breakthrough Genomics
Classification: Likely benign. Review status: criteria provided, single submitter. Criteria: ACMG Guidelines, 2015. Collection method: not provided. Allele origin: germline. Inheritance: Autosomal dominant inheritance. Affected: yes.

PreventionGenetics, part of Exact Sciences
Classification: Benign. Review status: criteria provided, single submitter. Criteria: ACMG Guidelines, 2015. Collection method: clinical testing. Allele origin: germline.

NM_005445.4(SMC3):c.2007T>C (p.Tyr669=)

Gene: SMC3 (structural maintenance of chromosomes 3; plus strand). Cytogenetic location: 10q25.2.
Variant type: single nucleotide variant.
Coding change: c.2007T>C on transcript NM_005445.4 (MANE Select); coding-DNA position 2007, T replaced by C.
Protein change: p.Tyr669=; no amino-acid change (tyrosine 669 retained).
Molecular consequence: synonymous variant.
Genome position (GRCh38, 1-based): chr10:110,596,441, T>C. VCF-style: chr10-110596441-T-C. GRCh37 (hg19) VCF-style: chr10-112356199-T-C.
Identifiers: ClinVar variation 159971 (VCV000159971.58), dbSNP rs147404470, ClinGen allele CA173525.